The following is an entry in ClinVar:

NM_147127.5(EVC2):c.2680C>T (p.Gln894Ter)

Gene: EVC2 (EvC ciliary complex subunit 2; minus strand). Cytogenetic location: 4p16.2.
Variant type: single nucleotide variant.
Coding change: c.2680C>T on transcript NM_147127.5 (MANE Select); coding-DNA position 2680, C replaced by T.
Protein change: p.Gln894Ter; replaces glutamine 894 with a stop codon.
Molecular consequence: nonsense.
Genome position (GRCh38, 1-based): chr4:5,618,504, G>A on the plus strand (C>T on the coding strand, the complement: EVC2 is on the minus strand). VCF-style: chr4-5618504-G-A. GRCh37 (hg19) VCF-style: chr4-5620231-G-A.
Other names: c.2440C>T, p.Gln814Ter (NM_001166136.2); short protein forms Q894*, Q814*.
Identifiers: ClinVar variation 1913582 (VCV001913582.5), dbSNP rs2475360211, ClinGen allele CA356142976.

ClinVar aggregate classification (germline): Pathogenic (1 of 4 stars; one submission).

Conditions:
Curry-Hall syndrome (WAD). Also called: WEYERS ACRODENTAL DYSOSTOSIS. Identifiers: Orphanet 952, MedGen C0457013, MONDO:0008673, OMIM 193530.
Ellis-van Creveld syndrome (EVC). Also called: EVC-Related Ellis-van Creveld Syndrome; EVC2-Related Ellis-van Creveld Syndrome; Chondroectodermal dysplasia; MESOECTODERMAL DYSPLASIA. Identifiers: Orphanet 289, MedGen C0013903, MONDO:0009162, OMIM 225500.

Submission:

Labcorp Genetics (formerly Invitae), Labcorp
Classification: Pathogenic for Curry-Hall syndrome; Ellis-van Creveld syndrome. Last evaluated: 2022-09-25. Review status: criteria provided, single submitter. Criteria: Invitae Variant Classification Sherloc (09022015). Collection method: clinical testing. Allele origin: germline.
Comment: This sequence change creates a premature translational stop signal (p.Gln894*) in the EVC2 gene. It is expected to result in an absent or disrupted protein product. Loss-of-function variants in EVC2 are known to be pathogenic (PMID: 17024374, 19810119, 19876929). This variant is not present in population databases (gnomAD no frequency). This variant has not been reported in the literature in individuals affected with EVC2-related conditions. For these reasons, this variant has been classified as Pathogenic.

Literature cited by the submitters: PubMed 17024374; PubMed 19810119; PubMed 19876929.